The following is an entry in ClinVar:

ClinVar aggregate classification (germline): Pathogenic (1 of 4 stars; one submission).

Submission:

Labcorp Genetics (formerly Invitae), Labcorp
Classification: Pathogenic. Last evaluated: 2024-02-23. Review status: criteria provided, single submitter. Criteria: Invitae Variant Classification Sherloc (09022015). Collection method: clinical testing. Allele origin: germline.
Comment: This sequence change creates a premature translational stop signal (p.Arg55*) in the FAR1 gene. It is expected to result in an absent or disrupted protein product. Loss-of-function variants in FAR1 are known to be pathogenic (PMID: 25439727). This variant is not present in population databases (gnomAD no frequency). This variant has not been reported in the literature in individuals affected with FAR1-related conditions. ClinVar contains an entry for this variant (Variation ID: 860111). For these reasons, this variant has been classified as Pathogenic.

Literature cited by the submitters: PubMed 25439727.

NM_032228.6(FAR1):c.163C>T (p.Arg55Ter)

Gene: FAR1 (fatty acyl-CoA reductase 1; plus strand). Cytogenetic location: 11p15.3.
Variant type: single nucleotide variant.
Coding change: c.163C>T on transcript NM_032228.6 (MANE Select); coding-DNA position 163, C replaced by T.
Protein change: p.Arg55Ter; replaces arginine 55 with a stop codon.
Molecular consequence: nonsense.
Genome position (GRCh38, 1-based): chr11:13,694,928, C>T. VCF-style: chr11-13694928-C-T. GRCh37 (hg19) VCF-style: chr11-13716475-C-T.
Other names: short protein forms R55*.
Identifiers: ClinVar variation 860111 (VCV000860111.7), dbSNP rs1848291332, ClinGen allele CA379856242.